The following is an entry in ClinVar:

NM_001040142.2(SCN2A):c.1688G>A (p.Arg563His)

Gene: SCN2A (sodium voltage-gated channel alpha subunit 2; plus strand). Cytogenetic location: 2q24.3.
Variant type: single nucleotide variant.
Coding change: c.1688G>A on transcript NM_001040142.2 (MANE Select); coding-DNA position 1688, G replaced by A.
Protein change: p.Arg563His; replaces arginine 563 with histidine.
Molecular consequence: missense variant.
Genome position (GRCh38, 1-based): chr2:165,323,172, G>A. VCF-style: chr2-165323172-G-A. GRCh37 (hg19) VCF-style: chr2-166179682-G-A.
Other names: c.1688G>A, p.Arg563His (NM_001040143.2, NM_001371246.1, NM_001371247.1 and 1 more transcripts); short protein forms R563H.
Identifiers: ClinVar variation 3362493 (VCV003362493.2).
Genomic context (GRCh38, chr2:165,323,172, plus strand): 5'-AACTCTCTTCATCTCATTTTTGTTTCTTCTCTTGTTATTCATAGTCCTTACTGAGCATCC[G>A]TGGCTCCCTTTTCTCTCCAAGACGCAACAGTAGGGCGAGCCTTTTCAGCTTCAGAGGTCG-3'
Protein context (NP_001035232.1, residues 553-573): SSPHQSLLSI[Arg563His]GSLFSPRRNS

ClinVar aggregate classification (germline): Uncertain significance. Review status: criteria provided, multiple submitters, no conflicts (2 of 4 stars). 2 submissions from 2 submitters: Uncertain significance (2). Last evaluated 2025-09-24.

Conditions:
Seizures, benign familial infantile, 3 (BFIS3). Also called: Familial neonatal seizures; CONVULSIONS, BENIGN FAMILIAL INFANTILE, 3. Identifiers: Orphanet 140927, Orphanet 306, MedGen C1843140, MONDO:0011904, OMIM 607745.
Developmental and epileptic encephalopathy, 11 (DEE11). Also called: Early infantile epileptic encephalopathy 11. Identifiers: Orphanet 1934, MedGen C3150987, MONDO:0013388, OMIM 613721.
Episodic ataxia, type 9. Identifiers: MedGen C5394520, MONDO:0030064, OMIM 618924.

gnomAD v4.1: 9 of 1,613,828 alleles (0.00056%); highest among the groups gnomAD compares: African/African-American, 0.0013%; no homozygotes.

Submissions (2):

Labcorp Genetics (formerly Invitae), Labcorp
Classification: Uncertain significance for Seizures, benign familial infantile, 3; Developmental and epileptic encephalopathy, 11. Last evaluated: 2025-09-24. Review status: criteria provided, single submitter. Criteria: Invitae Variant Classification Sherloc (09022015). Collection method: clinical testing. Allele origin: germline.
Comment: This sequence change replaces arginine, which is basic and polar, with histidine, which is basic and polar, at codon 563 of the SCN2A protein (p.Arg563His). This variant is present in population databases (rs773059303, gnomAD 0.002%). This missense change has been observed in individual(s) with SCN2A-related conditions (PMID: 37486637). ClinVar contains an entry for this variant (Variation ID: 3362493). Invitae Evidence Modeling of protein sequence and biophysical properties (such as structural, functional, and spatial information, amino acid conservation, physicochemical variation, residue mobility, and thermodynamic stability) has been performed for this missense variant. However, the output from this modeling did not meet the statistical confidence thresholds required to predict the impact of this variant on SCN2A protein function. In summary, the available evidence is currently insufficient to determine the role of this variant in disease. Therefore, it has been classified as a Variant of Uncertain Significance.

Genomic Medicine Center of Excellence, King Faisal Specialist Hospital and Research Centre
Classification: Uncertain significance for Episodic ataxia, type 9. Last evaluated: 2024-09-22. Review status: criteria provided, single submitter. Criteria: ACMG Guidelines, 2015. Collection method: clinical testing. Allele origin: germline.

Literature cited by the submitters: PubMed 37486637 (cited by Labcorp Genetics (formerly Invitae), Labcorp).